The following is an entry in ClinVar:

NC_000005.10:g.112707391A>G

Gene: APC (APC regulator of Wnt signaling pathway; plus strand). Cytogenetic location: 5q22.2.
Variant type: single nucleotide variant.
Genome position: GRCh38 VCF-style: chr5-112707391-A-G. GRCh37 (hg19) VCF-style: chr5-112043088-A-G.
Identifiers: ClinVar variation 1061956 (VCV001061956.10), dbSNP rs1750554840, ClinGen allele CA1573442235.

ClinVar aggregate classification (germline): Uncertain significance (1 of 4 stars; one submission).

Conditions:
Familial adenomatous polyposis 1 (FAP1). Also called: FAMILIAL ADENOMATOUS POLYPOSIS 1, ATTENUATED; POLYPOSIS, ADENOMATOUS INTESTINAL. Identifiers: MedGen C2713442, MONDO:0021056, OMIM 175100. Disease mechanism: loss of function.

Allele frequency attached by ClinVar (database versions not stated): TOPMed below 0.00001.

Submission:

Labcorp Genetics (formerly Invitae), Labcorp
Classification: Uncertain significance for Familial adenomatous polyposis 1. Last evaluated: 2019-11-18. Review status: criteria provided, single submitter. Criteria: Invitae Variant Classification Sherloc (09022015). Collection method: clinical testing. Allele origin: germline.
Comment: In summary, the available evidence is currently insufficient to determine the role of this variant in disease. Therefore, it has been classified as a Variant of Uncertain Significance. Experimental studies and prediction algorithms are not available for this variant, and the functional significance of this non-coding change is currently unknown. This variant has not been reported in the literature in individuals with APC-related conditions. The frequency data for this variant in the population databases is considered unreliable, as metrics indicate insufficient coverage at this position in the ExAC database. This variant occurs in a non-coding region of the APC gene. It does not change the encoded amino acid sequence of the APC protein.